The following is an entry in ClinVar:

ClinVar aggregate classification (germline): Uncertain significance (1 of 4 stars; one submission).

Allele frequency attached by ClinVar (database versions not stated): TOPMed 0.00002.
gnomAD v4.1: 8 of 1,614,020 alleles (0.0005%); highest among the groups gnomAD compares: South Asian, 0.0022%; no homozygotes.

Submission:

CeGaT Center for Human Genetics Tuebingen
Classification: Uncertain significance. Last evaluated: 2022-06-01. Review status: criteria provided, single submitter. Criteria: CeGaT Center For Human Genetics Tuebingen Variant Classification Criteria Version 2. Collection method: clinical testing. Allele origin: germline. Affected: yes. Observed: 1 variant allele.
Comment: TRIO: PM2, PP3

NM_007118.4(TRIO):c.8019+5G>T

Gene: TRIO (trio Rho guanine nucleotide exchange factor; plus strand). Cytogenetic location: 5p15.2.
Variant type: single nucleotide variant.
Coding change: c.8019+5G>T on transcript NM_007118.4 (MANE Select); 5 bases into the intron after coding-DNA position 8019, G replaced by T.
Molecular consequence: intron variant.
Genome position (GRCh38, 1-based): chr5:14,497,022, G>T. VCF-style: chr5-14497022-G-T. GRCh37 (hg19) VCF-style: chr5-14497131-G-T.
Identifiers: ClinVar variation 2655356 (VCV002655356.24), dbSNP rs1033261940, ClinGen allele CA114008417.